The following is an entry in ClinVar:

NM_000553.6(WRN):c.1598A>G (p.Asn533Ser)

Gene: WRN (WRN RecQ like helicase; plus strand). Cytogenetic location: 8p12.
Variant type: single nucleotide variant.
Coding change: c.1598A>G on transcript NM_000553.6 (MANE Select); coding-DNA position 1598, A replaced by G.
Protein change: p.Asn533Ser; replaces asparagine 533 with serine.
Molecular consequence: missense variant.
Genome position (GRCh38, 1-based): chr8:31,088,911, A>G. VCF-style: chr8-31088911-A-G. GRCh37 (hg19) VCF-style: chr8-30946427-A-G.
Other names: short protein forms N533S.
Identifiers: ClinVar variation 567611 (VCV000567611.3), dbSNP rs11574240, ClinGen allele CA4704426.

ClinVar aggregate classification (germline): Uncertain significance (1 of 4 stars; one submission).

Conditions:
Werner syndrome (WRN). Identifiers: Orphanet 902, MedGen C0043119, MONDO:0010196, OMIM 277700.

Allele frequency attached by ClinVar (database versions not stated): gnomAD exomes below 0.00001 and 0.00001; TOPMed below 0.00001; ExAC 0.00001; gnomAD 0.00001.
gnomAD v4.1: 7 of 1,611,306 alleles (0.00043%); highest among the groups gnomAD compares: East Asian, 0.0022%; no homozygotes.

Submission:

Labcorp Genetics (formerly Invitae), Labcorp
Classification: Uncertain significance for Werner syndrome. Last evaluated: 2022-10-05. Review status: criteria provided, single submitter. Criteria: Invitae Variant Classification Sherloc (09022015). Collection method: clinical testing. Allele origin: germline.
Comment: This sequence change replaces asparagine, which is neutral and polar, with serine, which is neutral and polar, at codon 533 of the WRN protein (p.Asn533Ser). The frequency data for this variant in the population databases is considered unreliable, as metrics indicate poor data quality at this position in the gnomAD database. This variant has not been reported in the literature in individuals affected with WRN-related conditions. ClinVar contains an entry for this variant (Variation ID: 567611). Algorithms developed to predict the effect of missense changes on protein structure and function output the following: SIFT: "Not Available"; PolyPhen-2: "Benign"; Align-GVGD: "Not Available". The serine amino acid residue is found in multiple mammalian species, which suggests that this missense change does not adversely affect protein function. In summary, the available evidence is currently insufficient to determine the role of this variant in disease. Therefore, it has been classified as a Variant of Uncertain Significance.